The following is an entry in ClinVar:

ClinVar aggregate classification (germline): Pathogenic (1 of 4 stars; one submission).

Conditions:
Nemaline myopathy 2 (NEM2). Also called: Nemaline myopathy 2, autosomal recessive. Identifiers: MedGen C1850569, MONDO:0009725, OMIM 256030.

Submission:

Labcorp Genetics (formerly Invitae), Labcorp
Classification: Pathogenic for Nemaline myopathy 2. Last evaluated: 2024-08-12. Review status: criteria provided, single submitter. Criteria: Invitae Variant Classification Sherloc (09022015). Collection method: clinical testing. Allele origin: germline.
Comment: This sequence change creates a premature translational stop signal (p.Asp8358Glufs*4) in the NEB gene. It is expected to result in an absent or disrupted protein product. Loss-of-function variants in NEB are known to be pathogenic (PMID: 25205138). This variant is not present in population databases (gnomAD no frequency). This variant has not been reported in the literature in individuals affected with NEB-related conditions. ClinVar contains an entry for this variant (Variation ID: 2134469). For these reasons, this variant has been classified as Pathogenic.

Literature cited by the submitters: PubMed 25205138.

NM_001164508.2(NEB):c.24968_24969insG (p.Asp8323fs)

Genes: NEB (nebulin; minus strand), RIF1 (replication timing regulatory factor 1; plus strand). Cytogenetic location: 2q23.3.
Variant type: Insertion.
Coding change: c.24968_24969insG on transcript NM_001164508.2 (MANE Select); coding-DNA positions 24968 to 24969, G inserted.
Protein change: p.Asp8323fs; shifts the reading frame from aspartic acid 8323.
Molecular consequence: frameshift variant.
Genome position: GRCh38 VCF-style: chr2-151492186-G-GC. GRCh37 (hg19) VCF-style: chr2-152348700-G-GC.
Other names: c.24968_24969insG, p.Asp8323fs (NM_001164507.2); c.25073_25074insG, p.Asp8358fs (NM_001271208.2); c.19400_19401insG, p.Asp6467fs (NM_004543.5); short protein forms D8323fs, D8358fs, D6467fs.
Identifiers: ClinVar variation 2134469 (VCV002134469.4), dbSNP rs2551707143, ClinGen allele CA2580063947.